The following is an entry in ClinVar:

ClinVar aggregate classification (germline): Uncertain significance (1 of 4 stars; one submission).

Conditions:
Cardiovascular phenotype. Identifiers: MedGen CN230736.
Hereditary cancer-predisposing syndrome. Also called: Neoplastic Syndromes, Hereditary; Tumor predisposition; Hereditary Cancer Syndrome; Hereditary neoplastic syndrome. Identifiers: Orphanet 140162, MedGen C0027672, MeSH D009386, MONDO:0015356.

gnomAD v4.1: 1 of 1,613,004 alleles (0.000062%); no homozygotes.

Submission:

Ambry Genetics
Classification: Uncertain significance for Cardiovascular phenotype; Hereditary cancer-predisposing syndrome. Last evaluated: 2025-10-15. Review status: criteria provided, single submitter. Criteria: Ambry Variant Classification Scheme 2023. Collection method: clinical testing. Allele origin: germline.
Comment: The p.I570L variant (also known as c.1708A>C), located in coding exon 15 of the LZTR1 gene, results from an A to C substitution at nucleotide position 1708. The isoleucine at codon 570 is replaced by leucine, an amino acid with highly similar properties. This amino acid position is conserved. In addition, this alteration is predicted to be tolerated by in silico analysis. Based on the available evidence, the clinical significance of this variant remains unclear.

NM_006767.4(LZTR1):c.1708A>C (p.Ile570Leu)

Gene: LZTR1 (leucine zipper like post translational regulator 1; plus strand). Cytogenetic location: 22q11.21.
Variant type: single nucleotide variant.
Coding change: c.1708A>C on transcript NM_006767.4 (MANE Select); coding-DNA position 1708, A replaced by C.
Protein change: p.Ile570Leu; replaces isoleucine 570 with leucine.
Molecular consequence: missense variant.
Genome position (GRCh38, 1-based): chr22:20,994,650, A>C. VCF-style: chr22-20994650-A-C. GRCh37 (hg19) VCF-style: chr22-21348939-A-C.
Other names: short protein forms I570L.
Identifiers: ClinVar variation 4615632 (VCV004615632.1).